The following is an entry in ClinVar:

NM_002519.3(NPAT):c.2617A>G (p.Thr873Ala)

Gene: NPAT (nuclear protein, coactivator of histone transcription; minus strand). Cytogenetic location: 11q22.3.
Variant type: single nucleotide variant.
Coding change: c.2617A>G on transcript NM_002519.3 (MANE Select); coding-DNA position 2617, A replaced by G.
Protein change: p.Thr873Ala; replaces threonine 873 with alanine.
Molecular consequence: missense variant.
Genome position (GRCh38, 1-based): chr11:108,172,367, T>C on the plus strand (A>G on the coding strand, the complement: NPAT is on the minus strand). VCF-style: chr11-108172367-T-C. GRCh37 (hg19) VCF-style: chr11-108043094-T-C.
Other names: c.2617A>G, p.Thr873Ala (NM_001321307.1); short protein forms T873A.
Identifiers: ClinVar variation 2531742 (VCV002531742.3), dbSNP rs2496716574, ClinGen allele CA382512591.

ClinVar aggregate classification (germline): Uncertain significance (1 of 4 stars; one submission).

Submission:

Ambry Genetics
Classification: Uncertain significance. Last evaluated: 2024-08-03. Review status: criteria provided, single submitter. Criteria: Ambry Variant Classification Scheme 2023. Collection method: clinical testing. Allele origin: germline.
Comment: The p.T873A variant (also known as c.2617A>G), located in coding exon 13 of the NPAT gene, results from an A to G substitution at nucleotide position 2617. The threonine at codon 873 is replaced by alanine, an amino acid with similar properties. This amino acid position is conserved. In addition, this alteration is predicted to be tolerated by in silico analysis. Based on the available evidence, the clinical significance of this variant remains unclear.